The following is an entry in ClinVar:

ClinVar aggregate classification (germline): Uncertain significance. Review status: criteria provided, multiple submitters, no conflicts (2 of 4 stars). 3 submissions from 3 submitters: Uncertain significance (3). Last evaluated 2025-04-08.

Conditions:
Neutropenia, severe congenital, 2, autosomal dominant. Identifiers: Orphanet 486, MedGen C2751288, MONDO:0013139, OMIM 613107.

Allele frequency attached by ClinVar (database versions not stated): ExAC below 0.00001; gnomAD exomes 0.00001 and 0.00002.
gnomAD v4.1: 13 of 1,541,488 alleles (0.00084%); highest among the groups gnomAD compares: Non-Finnish European, 0.0011%; no homozygotes.

Submissions (3):

Labcorp Genetics (formerly Invitae), Labcorp
Classification: Uncertain significance for Neutropenia, severe congenital, 2, autosomal dominant. Last evaluated: 2025-04-08. Review status: criteria provided, single submitter. Criteria: Invitae Variant Classification Sherloc (09022015). Collection method: clinical testing. Allele origin: germline.
Comment: This sequence change replaces alanine, which is neutral and non-polar, with aspartic acid, which is acidic and polar, at codon 165 of the GFI1 protein (p.Ala165Asp). This variant is present in population databases (rs773178468, gnomAD 0.007%). This variant has not been reported in the literature in individuals affected with GFI1-related conditions. ClinVar contains an entry for this variant (Variation ID: 949284). Invitae Evidence Modeling of protein sequence and biophysical properties (such as structural, functional, and spatial information, amino acid conservation, physicochemical variation, residue mobility, and thermodynamic stability) indicates that this missense variant is not expected to disrupt GFI1 protein function with a negative predictive value of 80%. In summary, the available evidence is currently insufficient to determine the role of this variant in disease. Therefore, it has been classified as a Variant of Uncertain Significance.

Ambry Genetics
Classification: Uncertain significance. Last evaluated: 2024-11-21. Review status: criteria provided, single submitter. Criteria: Ambry Variant Classification Scheme 2023. Collection method: clinical testing. Allele origin: germline.
Comment: The p.A165D variant (also known as c.494C>A), located in coding exon 3 of the GFI1 gene, results from a C to A substitution at nucleotide position 494. The alanine at codon 165 is replaced by aspartic acid, an amino acid with dissimilar properties. This amino acid position is conserved. In addition, this alteration is predicted to be tolerated by in silico analysis. Based on the available evidence, the clinical significance of this variant remains unclear.

Blueprint Genetics
Classification: Uncertain significance. Last evaluated: 2024-07-11. Review status: criteria provided, single submitter. Criteria: ACMG Guidelines, 2015. Collection method: clinical testing. Allele origin: germline.

NM_005263.5(GFI1):c.494C>A (p.Ala165Asp)

Gene: GFI1 (growth factor independent 1 transcriptional repressor; minus strand). Cytogenetic location: 1p22.1.
Variant type: single nucleotide variant.
Coding change: c.494C>A on transcript NM_005263.5 (MANE Select); coding-DNA position 494, C replaced by A.
Protein change: p.Ala165Asp; replaces alanine 165 with aspartic acid.
Molecular consequence: missense variant.
Genome position (GRCh38, 1-based): chr1:92,480,893, G>T on the plus strand (C>A on the coding strand, the complement: GFI1 is on the minus strand). VCF-style: chr1-92480893-G-T. GRCh37 (hg19) VCF-style: chr1-92946450-G-T.
Other names: c.494C>A, p.Ala165Asp (NM_001127215.3, NM_001127216.3); short protein forms A165D.
Identifiers: ClinVar variation 949284 (VCV000949284.4), dbSNP rs773178468, ClinGen allele CA951373.